The following is an entry in ClinVar:

NM_000038.6(APC):c.8341G>T (p.Val2781Leu)

Gene: APC (APC regulator of Wnt signaling pathway; plus strand). Cytogenetic location: 5q22.2.
Variant type: single nucleotide variant.
Coding change: c.8341G>T on transcript NM_000038.6 (MANE Select); coding-DNA position 8341, G replaced by T.
Protein change: p.Val2781Leu; replaces valine 2781 with leucine.
Molecular consequence: missense variant. On other transcripts: non-coding transcript variant (2).
Genome position (GRCh38, 1-based): chr5:112,843,935, G>T. VCF-style: chr5-112843935-G-T. GRCh37 (hg19) VCF-style: chr5-112179632-G-T.
Other names: c.8341G>T, p.Val2781Leu (NM_001127510.3, NM_001354895.2, NM_001407450.1); c.8287G>T, p.Val2763Leu (NM_001127511.3); c.8395G>T, p.Val2799Leu (NM_001354896.2, NM_001407447.1, NM_001407448.1 and 1 more transcripts); c.8371G>T, p.Val2791Leu (NM_001354897.2); c.8266G>T, p.Val2756Leu (NM_001354898.2); c.8257G>T, p.Val2753Leu (NM_001354899.2); c.8218G>T, p.Val2740Leu (NM_001354900.2); c.8164G>T, p.Val2722Leu (NM_001354901.2, NM_001407453.1); and 11 more; short protein forms V2498L, V2655L, V2680L, V2698L, V2763L, V2621L, V2690L, V2740L.
Identifiers: ClinVar variation 3635529 (VCV003635529.2).
Genomic context (GRCh38, chr5:112,843,935, plus strand): 5'-CCATTCAGTTCTAGCAGCTCAAGCAAACACAGTTCACCTAGTGGGACTGTTGCTGCCAGA[G>T]TGACTCCTTTTAATTACAACCCAAGCCCTAGGAAAAGCAGCGCAGATAGCACTTCAGCTC-3'
Protein context (NP_000029.2, residues 2771-2791): SSPSGTVAAR[Val2781Leu]TPFNYNPSPR

ClinVar aggregate classification (germline): Uncertain significance (1 of 4 stars; one submission).

Conditions:
Familial adenomatous polyposis 1 (FAP1). Also called: FAMILIAL ADENOMATOUS POLYPOSIS 1, ATTENUATED; POLYPOSIS, ADENOMATOUS INTESTINAL. Identifiers: MedGen C2713442, MONDO:0021056, OMIM 175100. Disease mechanism: loss of function.

Submission:

Labcorp Genetics (formerly Invitae), Labcorp
Classification: Uncertain significance for Familial adenomatous polyposis 1. Last evaluated: 2024-08-07. Review status: criteria provided, single submitter. Criteria: Invitae Variant Classification Sherloc (09022015). Collection method: clinical testing. Allele origin: germline.
Comment: This sequence change replaces valine, which is neutral and non-polar, with leucine, which is neutral and non-polar, at codon 2781 of the APC protein (p.Val2781Leu). This variant is not present in population databases (gnomAD no frequency). This variant has not been reported in the literature in individuals affected with APC-related conditions. Advanced modeling of protein sequence and biophysical properties (such as structural, functional, and spatial information, amino acid conservation, physicochemical variation, residue mobility, and thermodynamic stability) performed at Invitae indicates that this missense variant is not expected to disrupt APC protein function with a negative predictive value of 95%. In summary, the available evidence is currently insufficient to determine the role of this variant in disease. Therefore, it has been classified as a Variant of Uncertain Significance.